The following is an entry in ClinVar:

ClinVar aggregate classification (germline): Uncertain significance (1 of 4 stars; one submission).

Submission:

GeneDx
Classification: Uncertain significance. Last evaluated: 2024-10-21. Review status: criteria provided, single submitter. Criteria: GeneDx Variant Classification Process June 2021. Collection method: clinical testing. Allele origin: germline. Affected: yes.
Comment: Frameshift variant predicted to result in abnormal protein length as the last 68 amino acid(s) are replaced with 12 different amino acid(s); Not observed at significant frequency in large population cohorts (gnomAD); Has not been previously published as pathogenic or benign to our knowledge

NM_002755.4(MAP2K1):c.976_980del (p.Pro326fs)

Gene: MAP2K1 (mitogen-activated protein kinase kinase 1; plus strand). Cytogenetic location: 15q22.31.
Variant type: Deletion.
Coding change: c.976_980del on transcript NM_002755.4 (MANE Select); coding-DNA positions 976 to 980, 5 bases deleted (CCCAG; older notation c.976_980delCCCAG).
Protein change: p.Pro326fs; shifts the reading frame from proline 326.
Molecular consequence: frameshift variant.
Genome position (GRCh38, 1-based): chr15:66,489,230-66,489,234, CCCAG deleted; deleting any 5 consecutive bases within chr15:66,489,229-66,489,234 gives the same sequence; the c. name uses the placement nearest the transcript's 3' end. VCF-style (leftmost placement, unchanged base first): chr15-66489228-TGCCCA-T. GRCh37 (hg19) VCF-style: chr15-66781566-TGCCCA-T.
Other names: c.832_836del, p.Pro278fs (NM_001411065.1); c.976_980delCCCAG, p.Pro326Trpfs (NM_002755.3); short protein forms P326fs, P278fs.
Identifiers: ClinVar variation 3781254 (VCV003781254.1).